The following is an entry in ClinVar:

ClinVar aggregate classification (germline): Uncertain significance (1 of 4 stars; one submission).

Submission:

Labcorp Genetics (formerly Invitae), Labcorp
Classification: Uncertain significance. Last evaluated: 2022-04-22. Review status: criteria provided, single submitter. Criteria: Invitae Variant Classification Sherloc (09022015). Collection method: clinical testing. Allele origin: germline.
Comment: This variant, c.1381_1395dup, results in the insertion of 5 amino acid(s) of the SH3PXD2B protein (p.Ser461_Gly465dup), but otherwise preserves the integrity of the reading frame. This variant is present in population databases (rs779954039, gnomAD 0.02%). This variant has not been reported in the literature in individuals affected with SH3PXD2B-related conditions. Experimental studies and prediction algorithms are not available or were not evaluated, and the functional significance of this variant is currently unknown. In summary, the available evidence is currently insufficient to determine the role of this variant in disease. Therefore, it has been classified as a Variant of Uncertain Significance.

NM_001017995.3(SH3PXD2B):c.1381_1395dup (p.Gly465_Pro466insSerGluAlaThrGly)

Gene: SH3PXD2B (SH3 and PX domains 2B; minus strand). Cytogenetic location: 5q35.1.
Variant type: Duplication.
Coding change: c.1381_1395dup on transcript NM_001017995.3 (MANE Select); coding-DNA positions 1381 to 1395, 15 bases duplicated (AGCGAAGCCACGGGC).
Protein change: p.Gly465_Pro466insSerGluAlaThrGly.
Molecular consequence: inframe insertion. On other transcripts: intron variant (1).
Genome position (GRCh38, 1-based): chr5:172,339,710-172,339,724, GCCCGTGGCTTCGCT duplicated on the plus strand (AGCGAAGCCACGGGC on the coding strand, the reverse complement: SH3PXD2B is on the minus strand); duplicating any 15 consecutive bases within chr5:172,339,710-172,339,731 gives the same sequence; the c. name uses the placement nearest the transcript's 3' end. VCF-style (leftmost placement, unchanged base first): chr5-172339709-G-GGCCCGTGGCTTCGCT. GRCh37 (hg19) VCF-style: chr5-171766713-G-GGCCCGTGGCTTCGCT.
Other names: c.1188+6412_1188+6426dup (NM_001308175.2).
Identifiers: ClinVar variation 2083238 (VCV002083238.2), dbSNP rs779954039, ClinGen allele CA3561196.
Genomic context (GRCh38, chr5:172,339,709, plus strand): 5'-TAGACCATGGCAACCCCGAGTCCATGACACCATGCGGTGCGTCAGGCAGGGGCCGGGAGG[G>GGCCCGTGGCTTCGCT]GCCCGTGGCTTCGCTGCCCGTGTTGTTCTCCAGCGCTGCTGCTTCCCCCAGCCGGAGCTG-3'